The following is an entry in ClinVar:

ClinVar aggregate classification (germline): Uncertain significance (1 of 4 stars; one submission).

Submission:

GeneDx
Classification: Uncertain significance. Last evaluated: 2024-03-22. Review status: criteria provided, single submitter. Criteria: GeneDx Variant Classification Process June 2021. Collection method: clinical testing. Allele origin: germline. Affected: yes.
Comment: Not observed at significant frequency in large population cohorts (gnomAD); In silico analysis indicates that this missense variant does not alter protein structure/function; Has not been previously published as pathogenic or benign to our knowledge

NM_145166.4(ZBTB47):c.769G>A (p.Ala257Thr)

Gene: ZBTB47 (zinc finger and BTB domain containing 47; plus strand). Cytogenetic location: 3p22.1.
Variant type: single nucleotide variant.
Coding change: c.769G>A on transcript NM_145166.4 (MANE Select); coding-DNA position 769, G replaced by A.
Protein change: p.Ala257Thr; replaces alanine 257 with threonine.
Molecular consequence: missense variant.
Genome position (GRCh38, 1-based): chr3:42,659,124, G>A. VCF-style: chr3-42659124-G-A. GRCh37 (hg19) VCF-style: chr3-42700616-G-A.
Other names: c.853G>A, p.Ala285Thr (NM_001410746.1); short protein forms A257T, A285T.
Identifiers: ClinVar variation 3371470 (VCV003371470.1).